The following is an entry in ClinVar:

ClinVar aggregate classification (germline): Uncertain significance. Review status: criteria provided, multiple submitters, no conflicts (2 of 4 stars). 2 submissions from 2 submitters: Uncertain significance (2). Last evaluated 2024-12-10.

Allele frequency attached by ClinVar (database versions not stated): gnomAD exomes 0.00001.
gnomAD v4.1: 8 of 1,613,598 alleles (0.0005%); highest among the groups gnomAD compares: East Asian, 0.013%; no homozygotes.

Submissions (2):

Revvity Omics, Revvity
Classification: Uncertain significance. Last evaluated: 2024-12-10. Review status: criteria provided, single submitter. Criteria: ACMG Guidelines, 2015. Collection method: clinical testing. Allele origin: germline.

Mayo Clinic Laboratories, Mayo Clinic
Classification: Uncertain significance. Last evaluated: 2023-11-29. Review status: criteria provided, single submitter. Criteria: ACMG Guidelines, 2015. Collection method: clinical testing. Allele origin: germline. Observed: 1 variant allele.
Comment: BP4

NM_001267550.2(TTN):c.89667A>T (p.Glu29889Asp)

Genes: TTN (titin; minus strand), TTN-AS1 (TTN antisense RNA 1; plus strand). Cytogenetic location: 2q31.2.
Variant type: single nucleotide variant.
Coding change: c.89667A>T on transcript NM_001267550.2 (MANE Select); coding-DNA position 89667, A replaced by T.
Protein change: p.Glu29889Asp; replaces glutamic acid 29889 with aspartic acid.
Molecular consequence: missense variant.
Genome position (GRCh38, 1-based): chr2:178,553,233, T>A on the plus strand (A>T on the coding strand, the complement: TTN is on the minus strand). VCF-style: chr2-178553233-T-A. GRCh37 (hg19) VCF-style: chr2-179417960-T-A.
Other names: p.Glu28248Asp; c.84744A>T, p.Glu28248Asp (NM_001256850.1); c.62472A>T, p.Glu20824Asp (NM_003319.4); c.81963A>T, p.Glu27321Asp (NM_133378.4); c.62847A>T, p.Glu20949Asp (NM_133432.3); c.63048A>T, p.Glu21016Asp (NM_133437.4); short protein forms E20824D, E20949D, E21016D, E27321D, E28248D, E29889D.
Identifiers: ClinVar variation 2438368 (VCV002438368.4), dbSNP rs1293413587, ClinGen allele CA349517004.